The following is an entry in ClinVar:

ClinVar aggregate classification (germline): Uncertain significance (1 of 4 stars; one submission).

Conditions:
Short-rib thoracic dysplasia 11 with or without polydactyly (SRTD11). Also called: SHORT-RIB THORACIC DYSPLASIA 11 WITHOUT POLYDACTYLY. Identifiers: Orphanet 474, Orphanet 93271, MedGen C3810200, MONDO:0014287, OMIM 615633.

gnomAD v4.1: 8 of 1,610,034 alleles (0.0005%); highest among the groups gnomAD compares: African/African-American, 0.0027%; no homozygotes.

Submission:

Labcorp Genetics (formerly Invitae), Labcorp
Classification: Uncertain significance for Short-rib thoracic dysplasia 11 with or without polydactyly. Last evaluated: 2025-12-03. Review status: criteria provided, single submitter. Criteria: Invitae Variant Classification Sherloc (09022015). Collection method: clinical testing. Allele origin: germline.
Comment: This sequence change replaces arginine, which is basic and polar, with glutamine, which is neutral and polar, at codon 182 of the WDR34 protein (p.Arg182Gln). This variant also falls at the last nucleotide of exon 3, which is part of the consensus splice site for this exon. The frequency data for this variant in the population databases is considered unreliable, as metrics indicate poor data quality at this position in the gnomAD database. This variant has not been reported in the literature in individuals affected with WDR34-related conditions. An algorithm developed to predict the effect of missense changes on protein structure and function (PolyPhen-2) suggests that this variant is likely to be disruptive. Variants that disrupt the consensus splice site are a relatively common cause of aberrant splicing (PMID: 17576681, 9536098). Algorithms developed to predict the effect of sequence changes on RNA splicing suggest that this variant may disrupt the consensus splice site. In summary, the available evidence is currently insufficient to determine the role of this variant in disease. Therefore, it has been classified as a Variant of Uncertain Significance.

Literature cited by the submitters: PubMed 17576681; PubMed 9536098.

NM_052844.4(DYNC2I2):c.545G>A (p.Arg182Gln)

Gene: DYNC2I2 (dynein 2 intermediate chain 2; minus strand). Cytogenetic location: 9q34.11.
Variant type: single nucleotide variant.
Coding change: c.545G>A on transcript NM_052844.4 (MANE Select); coding-DNA position 545, G replaced by A.
Protein change: p.Arg182Gln; replaces arginine 182 with glutamine.
Molecular consequence: missense variant.
Genome position (GRCh38, 1-based): chr9:128,636,918, C>T on the plus strand (G>A on the coding strand, the complement: DYNC2I2 is on the minus strand). VCF-style: chr9-128636918-C-T. GRCh37 (hg19) VCF-style: chr9-131399197-C-T.
Other names: short protein forms R182Q.
Identifiers: ClinVar variation 4736949 (VCV004736949.1).